The following is an entry in ClinVar:

NM_001257180.2(SLC20A2):c.73G>C (p.Gly25Arg)

Gene: SLC20A2 (solute carrier family 20 member 2; minus strand). Cytogenetic location: 8p11.21.
Variant type: single nucleotide variant.
Coding change: c.73G>C on transcript NM_001257180.2 (MANE Select); coding-DNA position 73, G replaced by C.
Protein change: p.Gly25Arg; replaces glycine 25 with arginine.
Molecular consequence: missense variant.
Genome position (GRCh38, 1-based): chr8:42,472,318, C>G on the plus strand (G>C on the coding strand, the complement: SLC20A2 is on the minus strand). VCF-style: chr8-42472318-C-G. GRCh37 (hg19) VCF-style: chr8-42329836-C-G.
Other names: c.73G>C, p.Gly25Arg (NM_001257181.2, NM_006749.5); short protein forms G25R.
Identifiers: ClinVar variation 2431014 (VCV002431014.1), dbSNP rs1269195759, ClinGen allele CA371090129.

ClinVar aggregate classification (germline): Uncertain significance (1 of 4 stars; one submission).

Submission:

GeneDx
Classification: Uncertain significance. Last evaluated: 2022-08-17. Review status: criteria provided, single submitter. Criteria: GeneDx Variant Classification Process June 2021. Collection method: clinical testing. Allele origin: germline. Affected: yes.
Comment: Not observed at significant frequency in large population cohorts (gnomAD); In silico analysis supports that this missense variant has a deleterious effect on protein structure/function; Has not been previously published as pathogenic or benign to our knowledge